The following is an entry in ClinVar:

NM_001370259.2(MEN1):c.50A>G (p.Asp17Gly)

Gene: MEN1 (menin 1; minus strand). Cytogenetic location: 11q13.1.
Variant type: single nucleotide variant.
Coding change: c.50A>G on transcript NM_001370259.2 (MANE Select); coding-DNA position 50, A replaced by G.
Protein change: p.Asp17Gly; replaces aspartic acid 17 with glycine.
Molecular consequence: missense variant.
Genome position (GRCh38, 1-based): chr11:64,810,060, T>C on the plus strand (A>G on the coding strand, the complement: MEN1 is on the minus strand). VCF-style: chr11-64810060-T-C. GRCh37 (hg19) VCF-style: chr11-64577532-T-C.
Other names: c.50A>G, p.Asp17Gly (NM_130802.3, NM_130803.3, NM_130804.3 and 9 more transcripts); short protein forms D17G.
Identifiers: ClinVar variation 952229 (VCV000952229.14), dbSNP rs1157581823, ClinGen allele CA381188167.

ClinVar aggregate classification (germline): Uncertain significance. Review status: criteria provided, multiple submitters, no conflicts (2 of 4 stars). 4 submissions from 4 submitters: Uncertain significance (4). Last evaluated 2025-09-10.

Conditions:
Hereditary cancer-predisposing syndrome. Also called: Hereditary neoplastic syndrome; Tumor predisposition; Neoplastic Syndromes, Hereditary; Hereditary Cancer Syndrome. Identifiers: Orphanet 140162, MedGen C0027672, MeSH D009386, MONDO:0015356.
Multiple endocrine neoplasia, type 1 (MEN1). Also called: MEN I; WERMER SYNDROME; Endocrine adenomatosis multiple; MEN 1; MEA I. Identifiers: Orphanet 652, MedGen C0025267, MeSH D018761, MONDO:0007540, OMIM 131100.

Allele frequency attached by ClinVar (database versions not stated): TOPMed below 0.00001; gnomAD 0.00001.

Submissions (4):

Ambry Genetics
Classification: Uncertain significance for Hereditary cancer-predisposing syndrome. Last evaluated: 2025-09-10. Review status: criteria provided, single submitter. Criteria: Ambry Variant Classification Scheme 2023. Collection method: clinical testing. Allele origin: germline.
Comment: The p.D17G variant (also known as c.50A>G), located in coding exon 1 of the MEN1 gene, results from an A to G substitution at nucleotide position 50. The aspartic acid at codon 17 is replaced by glycine, an amino acid with similar properties. This amino acid position is conserved. In addition, this alteration is predicted to be deleterious by in silico analysis. Since supporting evidence is limited at this time, the clinical significance of this alteration remains unclear.

Labcorp Genetics (formerly Invitae), Labcorp
Classification: Uncertain significance for Multiple endocrine neoplasia, type 1. Last evaluated: 2025-01-26. Review status: criteria provided, single submitter. Criteria: Invitae Variant Classification Sherloc (09022015). Collection method: clinical testing. Allele origin: germline.
Comment: This sequence change replaces aspartic acid, which is acidic and polar, with glycine, which is neutral and non-polar, at codon 17 of the MEN1 protein (p.Asp17Gly). This variant is not present in population databases (gnomAD no frequency). This variant has not been reported in the literature in individuals affected with MEN1-related conditions. ClinVar contains an entry for this variant (Variation ID: 952229). Invitae Evidence Modeling of protein sequence and biophysical properties (such as structural, functional, and spatial information, amino acid conservation, physicochemical variation, residue mobility, and thermodynamic stability) has been performed for this missense variant. However, the output from this modeling did not meet the statistical confidence thresholds required to predict the impact of this variant on MEN1 protein function. In summary, the available evidence is currently insufficient to determine the role of this variant in disease. Therefore, it has been classified as a Variant of Uncertain Significance.

GeneDx
Classification: Uncertain significance. Last evaluated: 2024-01-21. Review status: criteria provided, single submitter. Criteria: GeneDx Variant Classification Process June 2021. Collection method: clinical testing. Allele origin: germline. Affected: yes.
Comment: Not observed at significant frequency in large population cohorts (gnomAD); In silico analysis supports that this missense variant does not alter protein structure/function; Has not been previously published as pathogenic or benign to our knowledge; This variant is associated with the following publications: (PMID: 9989505)

All of Us Research Program, National Institutes of Health
Classification: Uncertain significance for Multiple endocrine neoplasia, type 1. Last evaluated: 2023-02-24. Review status: criteria provided, single submitter. Criteria: ACMG Guidelines, 2015. Collection method: clinical testing. Allele origin: germline. Inheritance: Autosomal dominant inheritance. Observed: 1 variant allele, 1 heterozygote.
Comment: This missense variant replaces aspartic acid with glycine at codon 17 of the MEN1 protein. Computational prediction suggests that this variant may have deleterious impact on protein structure and function (internally defined REVEL score threshold >= 0.7, PMID: 27666373). To our knowledge, functional studies have not been reported for this variant. This variant has not been reported in individuals affected with hereditary cancer in the literature. This variant has not been identified in the general population by the Genome Aggregation Database (gnomAD). The available evidence is insufficient to determine the role of this variant in disease conclusively. Therefore, this variant is classified as a Variant of Uncertain Significance.

This study involves interpretation of variants in research participants for the purpose of population health screening. Participant phenotype was not available at the time of variant classification. Additional details can be found in publication PMID: 35346344, PMCID: PMC8962531